The following is an entry in ClinVar:

NM_002878.4(RAD51D):c.69C>G (p.His23Gln)

Genes: RAD51D (RAD51 paralog D; minus strand), RAD51L3-RFFL (RAD51L3-RFFL readthrough; minus strand). Cytogenetic location: 17q12.
Variant type: single nucleotide variant.
Coding change: c.69C>G on transcript NM_002878.4 (MANE Select); coding-DNA position 69, C replaced by G.
Protein change: p.His23Gln; replaces histidine 23 with glutamine.
Molecular consequence: missense variant. On other transcripts: non-coding transcript variant (2).
Genome position (GRCh38, 1-based): chr17:35,119,545, G>C on the plus strand (C>G on the coding strand, the complement: RAD51D is on the minus strand). VCF-style: chr17-35119545-G-C. GRCh37 (hg19) VCF-style: chr17-33446564-G-C.
Other names: c.69C>G, p.His23Gln (NM_001142571.2, NM_133629.3); short protein forms H23Q.
Identifiers: ClinVar variation 1472473 (VCV001472473.6), dbSNP rs1597878540, ClinGen allele CA399092307.

ClinVar aggregate classification (germline): Uncertain significance (1 of 4 stars; one submission).

Conditions:
Breast-ovarian cancer, familial, susceptibility to, 4. Identifiers: Orphanet 145, MedGen C3280345, MONDO:0013669, OMIM 614291.

gnomAD v4.1: 1 of 1,612,438 alleles (0.000062%); highest among the groups gnomAD compares: Non-Finnish European, 0.000085%; no homozygotes.

Submission:

Labcorp Genetics (formerly Invitae), Labcorp
Classification: Uncertain significance for Breast-ovarian cancer, familial, susceptibility to, 4. Last evaluated: 2023-06-23. Review status: criteria provided, single submitter. Criteria: Invitae Variant Classification Sherloc (09022015). Collection method: clinical testing. Allele origin: germline.
Comment: This sequence change replaces histidine, which is basic and polar, with glutamine, which is neutral and polar, at codon 23 of the RAD51D protein (p.His23Gln). This variant is not present in population databases (gnomAD no frequency). This variant has not been reported in the literature in individuals affected with RAD51D-related conditions. ClinVar contains an entry for this variant (Variation ID: 1472473). An algorithm developed to predict the effect of missense changes on protein structure and function (PolyPhen-2) suggests that this variant is likely to be tolerated. In summary, the available evidence is currently insufficient to determine the role of this variant in disease. Therefore, it has been classified as a Variant of Uncertain Significance.